The following is an entry in ClinVar:

ClinVar aggregate classification (germline): Likely benign. Review status: criteria provided, multiple submitters, no conflicts (2 of 4 stars). 3 submissions from 3 submitters: Likely benign (3). Last evaluated 2025-07-31.

Conditions:
CFAP410-related disorder. Also called: CFAP410-related condition.

Allele frequency attached by ClinVar (database versions not stated): ExAC 0.00002; gnomAD exomes 0.00002 and 0.00004; ESP Exome Variant Server 0.00015; 1000 Genomes Project 30x 0.00016; 1000 Genomes Project 0.00020; gnomAD 0.00020 and 0.00021; TOPMed 0.00027.
gnomAD v4.1: 53 of 1,613,468 alleles (0.0033%); highest among the groups gnomAD compares: African/African-American, 0.063%; no homozygotes.

Submissions (3):

Labcorp Genetics (formerly Invitae), Labcorp
Classification: Likely benign. Last evaluated: 2025-07-31. Review status: criteria provided, single submitter. Criteria: Invitae Variant Classification Sherloc (09022015). Collection method: clinical testing. Allele origin: germline.

PreventionGenetics, part of Exact Sciences
Classification: Likely benign for CFAP410-related condition. Last evaluated: 2025-03-05. Review status: criteria provided, single submitter. Criteria: ACMG Guidelines, 2015. Collection method: clinical testing. Allele origin: germline.
Comment: This variant is classified as likely benign based on ACMG/AMP sequence variant interpretation guidelines (Richards et al. 2015 PMID: 25741868, with internal and published modifications).

Blueprint Genetics
Classification: Likely benign. Last evaluated: 2022-11-09. Review status: criteria provided, single submitter. Criteria: ACMG Guidelines, 2015. Collection method: clinical testing. Allele origin: germline.

NM_004928.3(CFAP410):c.426T>C (p.Thr142=)

Gene: CFAP410 (cilia and flagella associated protein 410; minus strand). Cytogenetic location: 21q22.3.
Variant type: single nucleotide variant.
Coding change: c.426T>C on transcript NM_004928.3 (MANE Select); coding-DNA position 426, T replaced by C.
Protein change: p.Thr142=; no amino-acid change (threonine 142 retained).
Molecular consequence: synonymous variant.
Genome position (GRCh38, 1-based): chr21:44,331,962, A>G on the plus strand (T>C on the coding strand, the complement: CFAP410 is on the minus strand). VCF-style: chr21-44331962-A-G. GRCh37 (hg19) VCF-style: chr21-45751845-A-G.
Other names: c.426T>C (NM_004928.2); c.426T>C, p.Thr142= (NM_001271440.2, NM_001271441.2); c.303T>C, p.Thr101= (NM_001271442.1).
Identifiers: ClinVar variation 1109850 (VCV001109850.9), dbSNP rs372614395, ClinGen allele CA10053678.